The following is an entry in ClinVar:

ClinVar aggregate classification (germline): Uncertain significance (1 of 4 stars; one submission).

gnomAD v4.1: 1 of 1,614,044 alleles (0.000062%); highest among the groups gnomAD compares: Admixed American, 0.0017%; no homozygotes.

Submission:

Labcorp Genetics (formerly Invitae), Labcorp
Classification: Uncertain significance. Last evaluated: 2025-07-15. Review status: criteria provided, single submitter. Criteria: Invitae Variant Classification Sherloc (09022015). Collection method: clinical testing. Allele origin: germline.
Comment: This sequence change replaces proline, which is neutral and non-polar, with alanine, which is neutral and non-polar, at codon 1231 of the HIVEP2 protein (p.Pro1231Ala). This variant is not present in population databases (gnomAD no frequency). This variant has not been reported in the literature in individuals affected with HIVEP2-related conditions. ClinVar contains an entry for this variant (Variation ID: 3700028). Invitae Evidence Modeling of protein sequence and biophysical properties (such as structural, functional, and spatial information, amino acid conservation, physicochemical variation, residue mobility, and thermodynamic stability) indicates that this missense variant is not expected to disrupt HIVEP2 protein function with a negative predictive value of 80%. In summary, the available evidence is currently insufficient to determine the role of this variant in disease. Therefore, it has been classified as a Variant of Uncertain Significance.

NM_006734.4(HIVEP2):c.3691C>G (p.Pro1231Ala)

Gene: HIVEP2 (HIVEP zinc finger 2; minus strand). Cytogenetic location: 6q24.2.
Variant type: single nucleotide variant.
Coding change: c.3691C>G on transcript NM_006734.4 (MANE Select); coding-DNA position 3691, C replaced by G.
Protein change: p.Pro1231Ala; replaces proline 1231 with alanine.
Molecular consequence: missense variant.
Genome position (GRCh38, 1-based): chr6:142,771,048, G>C on the plus strand (C>G on the coding strand, the complement: HIVEP2 is on the minus strand). VCF-style: chr6-142771048-G-C. GRCh37 (hg19) VCF-style: chr6-143092185-G-C.
Other names: short protein forms P1231A.
Identifiers: ClinVar variation 3700028 (VCV003700028.2).